The following is an entry in ClinVar:

ClinVar aggregate classification (germline): Uncertain significance. Review status: criteria provided, multiple submitters, no conflicts (2 of 4 stars). 2 submissions from 2 submitters: Uncertain significance (2). Last evaluated 2023-05-19.

Conditions:
RYR1-related disorder. Also called: RYR1-related condition; RYR1-related disorders. Identifiers: MedGen CN239331.
Inborn genetic diseases. Identifiers: MedGen C0950123, MeSH D030342.

Allele frequency attached by ClinVar (database versions not stated): gnomAD exomes below 0.00001; TOPMed below 0.00001; gnomAD 0.00001.
gnomAD v4.1: 3 of 1,536,102 alleles (0.0002%); highest among the groups gnomAD compares: East Asian, 0.0073%; no homozygotes.

Submissions (2):

Labcorp Genetics (formerly Invitae), Labcorp
Classification: Uncertain significance for RYR1-related disorder. Last evaluated: 2023-05-19. Review status: criteria provided, single submitter. Criteria: Invitae Variant Classification Sherloc (09022015). Collection method: clinical testing. Allele origin: germline.
Comment: This sequence change replaces glutamic acid, which is acidic and polar, with valine, which is neutral and non-polar, at codon 4263 of the RYR1 protein (p.Glu4263Val). This variant is present in population databases (no rsID available, gnomAD 0.03%). This variant has not been reported in the literature in individuals affected with RYR1-related conditions. ClinVar contains an entry for this variant (Variation ID: 2247225). Advanced modeling of protein sequence and biophysical properties (such as structural, functional, and spatial information, amino acid conservation, physicochemical variation, residue mobility, and thermodynamic stability) has been performed at Invitae for this missense variant, however the output from this modeling did not meet the statistical confidence thresholds required to predict the impact of this variant on RYR1 protein function. In summary, the available evidence is currently insufficient to determine the role of this variant in disease. Therefore, it has been classified as a Variant of Uncertain Significance.

Ambry Genetics
Classification: Uncertain significance for Inborn genetic diseases. Last evaluated: 2021-08-30. Review status: criteria provided, single submitter. Criteria: Ambry Variant Classification Scheme 2023. Collection method: clinical testing. Allele origin: germline.

NM_000540.3(RYR1):c.12788A>T (p.Glu4263Val)

Gene: RYR1 (ryanodine receptor 1; plus strand). Cytogenetic location: 19q13.2.
Variant type: single nucleotide variant.
Coding change: c.12788A>T on transcript NM_000540.3 (MANE Select); coding-DNA position 12788, A replaced by T.
Protein change: p.Glu4263Val; replaces glutamic acid 4263 with valine.
Molecular consequence: missense variant.
Genome position (GRCh38, 1-based): chr19:38,565,122, A>T. VCF-style: chr19-38565122-A-T. GRCh37 (hg19) VCF-style: chr19-39055762-A-T.
Other names: c.12773A>T, p.Glu4258Val (NM_001042723.2); short protein forms E4258V, E4263V.
Identifiers: ClinVar variation 2247225 (VCV002247225.4), dbSNP rs1300116692, ClinGen allele CA405671160.